The following is an entry in ClinVar:

NM_000384.3(APOB):c.6272T>G (p.Val2091Gly)

Gene: APOB (apolipoprotein B; minus strand). Cytogenetic location: 2p24.1.
Variant type: single nucleotide variant.
Coding change: c.6272T>G on transcript NM_000384.3 (MANE Select); coding-DNA position 6272, T replaced by G.
Protein change: p.Val2091Gly; replaces valine 2091 with glycine.
Molecular consequence: missense variant.
Genome position (GRCh38, 1-based): chr2:21,010,596, A>C on the plus strand (T>G on the coding strand, the complement: APOB is on the minus strand). VCF-style: chr2-21010596-A-C. GRCh37 (hg19) VCF-style: chr2-21233468-A-C.
Other names: short protein forms V2091G.
Identifiers: ClinVar variation 5027002 (VCV005027002.1).

ClinVar aggregate classification (germline): Uncertain significance (1 of 4 stars; one submission).

Conditions:
Cardiovascular phenotype. Identifiers: MedGen CN230736.

Submission:

Ambry Genetics
Classification: Uncertain significance for Cardiovascular phenotype. Last evaluated: 2026-07-01. Review status: criteria provided, single submitter. Criteria: Ambry Variant Classification Scheme 2023. Collection method: clinical testing. Allele origin: germline.
Comment: The p.V2091G variant (also known as c.6272T>G), located in coding exon 26 of the APOB gene, results from a T to G substitution at nucleotide position 6272. The valine at codon 2091 is replaced by glycine, an amino acid with dissimilar properties. This amino acid position is conserved. In addition, this alteration is predicted to be tolerated by in silico analysis. Based on the available evidence, the clinical significance of this variant remains unclear.